The following is an entry in ClinVar:

ClinVar aggregate classification (germline): Uncertain significance (1 of 4 stars; one submission).

Conditions:
Fanconi anemia (FA). Also called: Fanconi's anemia. Identifiers: Orphanet 84, MedGen C0015625, MeSH D005199, MONDO:0019391.

Allele frequency attached by ClinVar (database versions not stated): gnomAD 0.00001; TOPMed 0.00002; gnomAD exomes 0.00003.
gnomAD v4.1: 50 of 1,614,020 alleles (0.0031%); highest among the groups gnomAD compares: Non-Finnish European, 0.0042%; no homozygotes.

Submission:

Labcorp Genetics (formerly Invitae), Labcorp
Classification: Uncertain significance for Fanconi anemia. Last evaluated: 2022-08-31. Review status: criteria provided, single submitter. Criteria: Invitae Variant Classification Sherloc (09022015). Collection method: clinical testing. Allele origin: germline.
Comment: This sequence change replaces serine, which is neutral and polar, with asparagine, which is neutral and polar, at codon 1094 of the FANCA protein (p.Ser1094Asn). This variant is present in population databases (no rsID available, gnomAD 0.002%). This variant has not been reported in the literature in individuals affected with FANCA-related conditions. Advanced modeling of protein sequence and biophysical properties (such as structural, functional, and spatial information, amino acid conservation, physicochemical variation, residue mobility, and thermodynamic stability) performed at Invitae indicates that this missense variant is not expected to disrupt FANCA protein function. In summary, the available evidence is currently insufficient to determine the role of this variant in disease. Therefore, it has been classified as a Variant of Uncertain Significance.

NM_000135.4(FANCA):c.3281G>A (p.Ser1094Asn)

Gene: FANCA (FA complementation group A; minus strand). Cytogenetic location: 16q24.3.
Variant type: single nucleotide variant.
Coding change: c.3281G>A on transcript NM_000135.4 (MANE Select); coding-DNA position 3281, G replaced by A.
Protein change: p.Ser1094Asn; replaces serine 1094 with asparagine.
Molecular consequence: missense variant.
Genome position (GRCh38, 1-based): chr16:89,748,726, C>T on the plus strand (G>A on the coding strand, the complement: FANCA is on the minus strand). VCF-style: chr16-89748726-C-T. GRCh37 (hg19) VCF-style: chr16-89815134-C-T.
Other names: c.3281G>A, p.Ser1094Asn (NM_001286167.3); short protein forms S1094N.
Identifiers: ClinVar variation 1897065 (VCV001897065.2), dbSNP rs946572285, ClinGen allele CA286625345.
Genomic context (GRCh38, chr16:89,748,726, plus strand): 5'-GAGTTGACCAAGTGGAAGAACTGCTCGCATCTGGCAGTGATGGGCTGTTCTGCCTGGAAG[C>T]TGCTGCCGCAGAGGACAGACGAAGGCAGGCGGAGGAGGATCCTGGAAAGAAGGGGCTGTA-3'
Protein context (NP_000126.2, residues 1084-1104): RLPSSVLCGS[Ser1094Asn]FQAEQPITAR